The following is an entry in ClinVar:

NM_032608.7(MYO18B):c.4461A>C (p.Lys1487Asn)

Genes: MYO18B (myosin XVIIIB; plus strand), MYO18B-AS1 (MYO18B antisense RNA 1; minus strand). Cytogenetic location: 22q12.1.
Variant type: single nucleotide variant.
Coding change: c.4461A>C on transcript NM_032608.7 (MANE Select); coding-DNA position 4461, A replaced by C.
Protein change: p.Lys1487Asn; replaces lysine 1487 with asparagine.
Molecular consequence: missense variant.
Genome position (GRCh38, 1-based): chr22:25,891,330, A>C. VCF-style: chr22-25891330-A-C. GRCh37 (hg19) VCF-style: chr22-26287297-A-C.
Other names: c.4464A>C, p.Lys1488Asn (NM_001318245.2); short protein forms K1487N, K1488N.
Identifiers: ClinVar variation 1382397 (VCV001382397.4), dbSNP rs2091656418, ClinGen allele CA411009596.
Genomic context (GRCh38, chr22:25,891,330, plus strand): 5'-AGCTCTAGTTTAGACCTTGAGCCCTTTCTTCTAGAGCAAGCATGAACAAGTCCAGAAAAA[A>C]CTGGGAGATGTGAATAAACAGTTGGAAGAAGCCCAGCAGAAAATTCAGTTGAATGACTTG-3'
Protein context (NP_115997.5, residues 1477-1497): LKSKHEQVQK[Lys1487Asn]LGDVNKQLEE

ClinVar aggregate classification (germline): Uncertain significance (1 of 4 stars; one submission).

Submission:

Labcorp Genetics (formerly Invitae), Labcorp
Classification: Uncertain significance. Last evaluated: 2021-09-20. Review status: criteria provided, single submitter. Criteria: Invitae Variant Classification Sherloc (09022015). Collection method: clinical testing. Allele origin: germline.
Comment: In summary, the available evidence is currently insufficient to determine the role of this variant in disease. Therefore, it has been classified as a Variant of Uncertain Significance. Algorithms developed to predict the effect of missense changes on protein structure and function output the following: SIFT: "Not Available"; PolyPhen-2: "Benign"; Align-GVGD: "Not Available". The asparagine amino acid residue is found in multiple mammalian species, which suggests that this missense change does not adversely affect protein function. This variant has not been reported in the literature in individuals affected with MYO18B-related conditions. This variant is not present in population databases (ExAC no frequency). This sequence change replaces lysine with asparagine at codon 1487 of the MYO18B protein (p.Lys1487Asn). The lysine residue is weakly conserved and there is a moderate physicochemical difference between lysine and asparagine.